The following is an entry in ClinVar:

NM_001447.3(FAT2):c.9010G>A (p.Val3004Ile)

Genes: FAT2 (FAT atypical cadherin 2; minus strand), SLC36A1 (solute carrier family 36 member 1; plus strand). Cytogenetic location: 5q33.1.
Variant type: single nucleotide variant.
Coding change: c.9010G>A on transcript NM_001447.3 (MANE Select); coding-DNA position 9010, G replaced by A.
Protein change: p.Val3004Ile; replaces valine 3004 with isoleucine.
Molecular consequence: missense variant.
Genome position (GRCh38, 1-based): chr5:151,540,596, C>T on the plus strand (G>A on the coding strand, the complement: FAT2 is on the minus strand). VCF-style: chr5-151540596-C-T. GRCh37 (hg19) VCF-style: chr5-150920157-C-T.
Other names: short protein forms V3004I.
Identifiers: ClinVar variation 709392 (VCV000709392.33), dbSNP rs142809371, ClinGen allele CA3520697.

ClinVar aggregate classification (germline): Benign/Likely benign. Review status: criteria provided, multiple submitters, no conflicts (2 of 4 stars). 3 submissions from 3 submitters: Benign (1); Likely benign (2). Last evaluated 2026-06-01.

Allele frequency attached by ClinVar (database versions not stated): 1000 Genomes Project 30x 0.00016; 1000 Genomes Project 0.00020; ExAC 0.00110; gnomAD 0.00117 and 0.00128; ESP Exome Variant Server 0.00138; TOPMed 0.00160.
gnomAD v4.1: 2,922 of 1,613,836 alleles (0.18%); highest among the groups gnomAD compares: Non-Finnish European, 0.23%; 5 homozygotes.

Submissions (3):

CeGaT Center for Human Genetics Tuebingen
Classification: Benign. Last evaluated: 2026-06-01. Review status: criteria provided, single submitter. Criteria: CeGaT Center For Human Genetics Tuebingen Variant Classification Criteria Version 2. Collection method: clinical testing. Allele origin: germline. Affected: yes. Observed: 5 variant alleles.
Comment: FAT2: BP4, BS1, BS2

Labcorp Genetics (formerly Invitae), Labcorp
Classification: Likely benign. Last evaluated: 2026-01-12. Review status: criteria provided, single submitter. Criteria: Invitae Variant Classification Sherloc (09022015). Collection method: clinical testing. Allele origin: germline.

Blueprint Genetics
Classification: Likely benign. Last evaluated: 2024-11-20. Review status: criteria provided, single submitter. Criteria: ACMG Guidelines, 2015. Collection method: clinical testing. Allele origin: germline.